The following is an entry in ClinVar:

ClinVar aggregate classification (germline): Uncertain significance. Review status: criteria provided, multiple submitters, no conflicts (2 of 4 stars). 2 submissions from 2 submitters: Uncertain significance (2). Last evaluated 2022-11-18.

Conditions:
Inborn genetic diseases. Identifiers: MedGen C0950123, MeSH D030342.

gnomAD v4.1: 16 of 1,473,254 alleles (0.0011%); highest among the groups gnomAD compares: Admixed American, 0.013%; 1 homozygote.

Submissions (2):

Ambry Genetics
Classification: Uncertain significance for Inborn genetic diseases. Last evaluated: 2022-11-18. Review status: criteria provided, single submitter. Criteria: Ambry Variant Classification Scheme 2023. Collection method: clinical testing. Allele origin: germline.

Labcorp Genetics (formerly Invitae), Labcorp
Classification: Uncertain significance. Last evaluated: 2022-04-08. Review status: criteria provided, single submitter. Criteria: Invitae Variant Classification Sherloc (09022015). Collection method: clinical testing. Allele origin: germline.
Comment: In summary, the available evidence is currently insufficient to determine the role of this variant in disease. Therefore, it has been classified as a Variant of Uncertain Significance. Algorithms developed to predict the effect of sequence changes on RNA splicing suggest that this variant may disrupt the consensus splice site. Algorithms developed to predict the effect of missense changes on protein structure and function are either unavailable or do not agree on the potential impact of this missense change (SIFT: "Deleterious"; PolyPhen-2: "Benign"; Align-GVGD: "Class C0"). This variant has not been reported in the literature in individuals affected with KIAA1549-related conditions. This variant is not present in population databases (gnomAD no frequency). This sequence change replaces glycine, which is neutral and non-polar, with arginine, which is basic and polar, at codon 1871 of the KIAA1549 protein (p.Gly1871Arg).

NM_001164665.2(KIAA1549):c.5611G>A (p.Gly1871Arg)

Gene: KIAA1549 (KIAA1549; minus strand). Cytogenetic location: 7q34.
Variant type: single nucleotide variant.
Coding change: c.5611G>A on transcript NM_001164665.2 (MANE Select); coding-DNA position 5611, G replaced by A.
Protein change: p.Gly1871Arg; replaces glycine 1871 with arginine.
Molecular consequence: missense variant. On other transcripts: intron variant (1).
Genome position (GRCh38, 1-based): chr7:138,838,148, C>T on the plus strand (G>A on the coding strand, the complement: KIAA1549 is on the minus strand). VCF-style: chr7-138838148-C-T. GRCh37 (hg19) VCF-style: chr7-138522893-C-T.
Other names: c.5599-36G>A (NM_020910.3); short protein forms G1871R.
Identifiers: ClinVar variation 1961453 (VCV001961453.6), dbSNP rs1002263694, ClinGen allele CA167135588.